The following is an entry in ClinVar:

ClinVar aggregate classification (germline): Likely pathogenic (1 of 4 stars; one submission).

Submission:

Mayo Clinic Laboratories, Mayo Clinic
Classification: Likely pathogenic. Last evaluated: 2024-01-10. Review status: criteria provided, single submitter. Criteria: ACMG Guidelines, 2015. Collection method: clinical testing. Allele origin: germline. Observed: 2 variant alleles.
Comment: PP3, PM2, PVS1_strong

Literature cited by the submitters: PubMed 36938073.

NM_001009944.3(PKD1):c.6916-1G>C

Gene: PKD1 (polycystin 1, transient receptor potential channel interacting; minus strand). Cytogenetic location: 16p13.3.
Variant type: single nucleotide variant.
Coding change: c.6916-1G>C on transcript NM_001009944.3 (MANE Select); the canonical splice acceptor site of the intron before coding-DNA position 6916, G replaced by C.
Molecular consequence: splice acceptor variant.
Genome position (GRCh38, 1-based): chr16:2,108,033, C>G on the plus strand (G>C on the coding strand, the complement: PKD1 is on the minus strand). VCF-style: chr16-2108033-C-G. GRCh37 (hg19) VCF-style: chr16-2158034-C-G.
Other names: c.6916-1G>C (NM_000296.4).
Identifiers: ClinVar variation 3381137 (VCV003381137.1).